The following is an entry in ClinVar:

ClinVar aggregate classification (germline): Likely benign (1 of 4 stars; one submission).

Submission:

CeGaT Center for Human Genetics Tuebingen
Classification: Likely benign. Last evaluated: 2024-09-01. Review status: criteria provided, single submitter. Criteria: CeGaT Center For Human Genetics Tuebingen Variant Classification Criteria Version 2. Collection method: clinical testing. Allele origin: germline. Affected: yes. Observed: 1 variant allele.
Comment: RAB40AL: PM2:Supporting, BP4, BP7

NM_001031834.1(RAB40AL):c.603G>A (p.Val201=)

Genes: LINC00630 (long independently transcribed non-coding RNA 630; plus strand), RAB40AL (RAB40A like; plus strand). Cytogenetic location: Xq22.1.
Variant type: single nucleotide variant.
Coding change: c.603G>A on transcript NM_001031834.1 (MANE Select); coding-DNA position 603, G replaced by A.
Protein change: p.Val201=; no amino-acid change (valine 201 retained).
Molecular consequence: synonymous variant.
Genome position (GRCh38, 1-based): chrX:102,937,921, G>A. VCF-style: chrX-102937921-G-A. GRCh37 (hg19) VCF-style: chrX-102192849-G-A.
Identifiers: ClinVar variation 3389775 (VCV003389775.14).